The following is an entry in ClinVar:

ClinVar aggregate classification (germline): Uncertain significance (1 of 4 stars; one submission).

Submission:

Ambry Genetics
Classification: Uncertain significance. Last evaluated: 2026-02-16. Review status: criteria provided, single submitter. Criteria: Ambry Variant Classification Scheme 2023. Collection method: clinical testing. Allele origin: germline.
Comment: The p.P550T variant (also known as c.1648C>A), located in coding exon 2 of the CDK12 gene, results from a C to A substitution at nucleotide position 1648. The proline at codon 550 is replaced by threonine, an amino acid with highly similar properties. This amino acid position is conserved. In addition, the in silico prediction for this alteration is inconclusive. Based on the available evidence, the clinical significance of this variant remains unclear.

NM_016507.4(CDK12):c.1648C>A (p.Pro550Thr)

Gene: CDK12 (cyclin dependent kinase 12; plus strand). Cytogenetic location: 17q12.
Variant type: single nucleotide variant.
Coding change: c.1648C>A on transcript NM_016507.4 (MANE Select); coding-DNA position 1648, C replaced by A.
Protein change: p.Pro550Thr; replaces proline 550 with threonine.
Molecular consequence: missense variant.
Genome position (GRCh38, 1-based): chr17:39,471,480, C>A. VCF-style: chr17-39471480-C-A. GRCh37 (hg19) VCF-style: chr17-37627733-C-A.
Other names: c.1648C>A, p.Pro550Thr (NM_015083.4); short protein forms P550T.
Identifiers: ClinVar variation 4844505 (VCV004844505.1).